The following is an entry in ClinVar:

NM_016628.5(WAC):c.914_917del (p.Arg305fs)

Gene: WAC (WW domain containing adaptor with coiled-coil; plus strand). Cytogenetic location: 10p12.1.
Variant type: Microsatellite.
Coding change: c.914_917del on transcript NM_016628.5 (MANE Select); coding-DNA positions 914 to 917, 4 bases deleted (GAAA; older notation c.914_917delGAAA).
Protein change: p.Arg305fs; shifts the reading frame from arginine 305.
Molecular consequence: frameshift variant. On other transcripts: intron variant (1).
Genome position (GRCh38, 1-based): chr10:28,596,036-28,596,039, GAAA deleted; deleting any 4 consecutive bases within chr10:28,596,031-28,596,039 gives the same sequence; the c. name uses the placement nearest the transcript's 3' end. VCF-style (leftmost placement, unchanged base first): chr10-28596030-CAGAA-C. GRCh37 (hg19) VCF-style: chr10-28884959-CAGAA-C.
Other names: c.779_782del, p.Arg260fs (NM_100264.3); c.610+5204_610+5207del (NM_100486.4); short protein forms R260fs, R305fs.
Identifiers: ClinVar variation 4813798 (VCV004813798.1).

ClinVar aggregate classification (germline): Pathogenic (1 of 4 stars; one submission).

Conditions:
DeSanto-Shinawi syndrome due to WAC point mutation (DESSH). Also called: DEVELOPMENTAL DELAY, BEHAVIORAL ABNORMALITIES, FACIAL DYSMORPHISM, AND OCULAR ABNORMALITIES; WAC-Related Intellectual Disability; Facial dysmorphism-developmental delay-behavioral abnormalities syndrome due to WAC point mutation. Identifiers: Orphanet 284169, Orphanet 466950, MedGen C5681129, MONDO:0014741, OMIM 616708.

Submission:

Variantyx, Inc.
Classification: Pathogenic for DeSanto-Shinawi syndrome due to WAC point mutation. Last evaluated: 2025-08-23. Review status: criteria provided, single submitter. Criteria: Variantyx Assertion Criteria 2022. Collection method: clinical testing. Allele origin: de novo. Inheritance: Autosomal dominant inheritance. Affected: yes.
Comment: This is a frameshift variant in the WAC gene (OMIM: 615049). Pathogenic variants in this gene have been associated with autosomal dominant Desanto-Shinawi syndrome. This variant introduces a premature termination codon in exon 7 out of 14 and is expected to result in loss of function, which is a known disease mechanism for WAC in this disorder (PMID: 29190062, 26757981) (PVS1). This variant is absent from control populations (PM2). Based on the current evidence, this variant is classified as pathogenic for autosomal dominant Desanto-Shinawi syndrome.

Literature cited by the submitters: PubMed 29190062; PubMed 26757981.